The following is an entry in ClinVar:

ClinVar aggregate classification (germline): Uncertain significance (1 of 4 stars; one submission).

Allele frequency attached by ClinVar (database versions not stated): gnomAD 0.00004.
gnomAD v4.1: 151 of 1,610,478 alleles (0.0094%); highest among the groups gnomAD compares: Non-Finnish European, 0.012%; no homozygotes.

Submission:

Labcorp Genetics (formerly Invitae), Labcorp
Classification: Uncertain significance. Last evaluated: 2025-10-17. Review status: criteria provided, single submitter. Criteria: Invitae Variant Classification Sherloc (09022015). Collection method: clinical testing. Allele origin: germline.
Comment: This sequence change replaces glutamic acid, which is acidic and polar, with lysine, which is basic and polar, at codon 945 of the KIAA0556 protein (p.Glu945Lys). This variant is present in population databases (rs752689307, gnomAD 0.03%). This variant has not been reported in the literature in individuals affected with KIAA0556-related conditions. ClinVar contains an entry for this variant (Variation ID: 2157284). An algorithm developed to predict the effect of missense changes on protein structure and function (PolyPhen-2) suggests that this variant is likely to be tolerated. In summary, the available evidence is currently insufficient to determine the role of this variant in disease. Therefore, it has been classified as a Variant of Uncertain Significance.

NM_015202.5(KATNIP):c.2833G>A (p.Glu945Lys)

Gene: KATNIP (katanin interacting protein; plus strand). Cytogenetic location: 16p12.1.
Variant type: single nucleotide variant.
Coding change: c.2833G>A on transcript NM_015202.5 (MANE Select); coding-DNA position 2833, G replaced by A.
Protein change: p.Glu945Lys; replaces glutamic acid 945 with lysine.
Molecular consequence: missense variant.
Genome position (GRCh38, 1-based): chr16:27,749,793, G>A. VCF-style: chr16-27749793-G-A. GRCh37 (hg19) VCF-style: chr16-27761114-G-A.
Other names: short protein forms E945K.
Identifiers: ClinVar variation 2157284 (VCV002157284.2), dbSNP rs752689307, ClinGen allele CA7978078.
Genomic context (GRCh38, chr16:27,749,793, plus strand): 5'-GATGAGCTCCTGCAGCAAAAGAGCAGCCGGCACAGCGACTTGCCCCCCTCCAAGAAGGGG[G>A]AGCAGCCAGGGCTGTCGAGAGGGCAGGATGGCTACTCTGGAGAGACAGACGCTGGGGGTG-3'
Protein context (NP_056017.4, residues 935-955): HSDLPPSKKG[Glu945Lys]QPGLSRGQDG